The following is an entry in ClinVar:

ClinVar aggregate classification (germline): Uncertain significance (1 of 4 stars; one submission).

Conditions:
Cardiomyopathy (CMYO). Also called: Cardiomyopathies. Identifiers: Orphanet 167848, MedGen C0878544, MONDO:0004994, HP:0001638. Inheritance: Various modes of inheritance.

Submission:

Color Diagnostics, LLC DBA Color Health
Classification: Uncertain significance for Cardiomyopathy. Last evaluated: 2022-05-31. Review status: criteria provided, single submitter. Criteria: ACMG Guidelines, 2015. Collection method: clinical testing. Allele origin: germline.
Comment: This variant inserts 1 nucleotide in exon 90 of the RYR2 gene, creating a frameshift and premature translation stop signal. This variant is expected to result in an absent or non-functional protein product. To our knowledge, this variant has not been reported in individuals affected with cardiovascular disorders in the literature. This variant has not been identified in the general population by the Genome Aggregation Database (gnomAD). The role of loss-of-function RYR2 truncation and splice variants in autosomal dominant cardiovascular disorders is not clearly established. The available evidence is insufficient to determine the role of this variant in disease conclusively. Therefore, this variant is classified as a Variant of Uncertain Significance.

NM_001035.3(RYR2):c.12572dup (p.Asn4191fs)

Genes: RYR2 (ryanodine receptor 2; plus strand), LOC126806068 (BRD4-independent group 4 enhancer GRCh37_chr1:237947411-237948610; plus strand). Cytogenetic location: 1q43.
Variant type: Duplication.
Coding change: c.12572dup on transcript NM_001035.3 (MANE Select); coding-DNA position 12572, one base duplicated (A; older notation c.12572dupA).
Protein change: p.Asn4191fs; shifts the reading frame from asparagine 4191.
Molecular consequence: frameshift variant.
Genome position (GRCh38, 1-based): chr1:237,784,284, A duplicated; the last of 2 consecutive A bases (chr1:237,784,283-237,784,284); duplicating either gives the same sequence. VCF-style (leftmost placement, unchanged base first): chr1-237784282-G-GA. GRCh37 (hg19) VCF-style: chr1-237947582-G-GA.
Other names: short protein forms N4191fs.
Identifiers: ClinVar variation 2774395 (VCV002774395.2), dbSNP rs2527787221, ClinGen allele CA2697547748.